The following is an entry in ClinVar:

ClinVar aggregate classification (germline): Likely pathogenic (1 of 4 stars; one submission).

Conditions:
Familial infantile myasthenia (CMS6). Also called: Congenital myasthenic syndrome type 6; MYASTHENIC SYNDROME, PRESYNAPTIC, CONGENITAL, ASSOCIATED WITH EPISODIC APNEA; MYASTHENIC SYNDROME, CONGENITAL, 6, PRESYNAPTIC. Identifiers: Orphanet 590, MedGen C0393929, MONDO:0009689, OMIM 254210.

Submission:

Labcorp Genetics (formerly Invitae), Labcorp
Classification: Likely pathogenic for Familial infantile myasthenia. Last evaluated: 2025-10-16. Review status: criteria provided, single submitter. Criteria: Invitae Variant Classification Sherloc (09022015). Collection method: clinical testing. Allele origin: germline.
Comment: This sequence change affects a donor splice site in intron 4 of the CHAT gene. It is expected to disrupt RNA splicing. Variants that disrupt the donor or acceptor splice site typically lead to a loss of protein function (PMID: 16199547), and loss-of-function variants in CHAT are known to be pathogenic (PMID: 12548525, 21786365, 23292760). This variant is not present in population databases (gnomAD no frequency). This variant has not been reported in the literature in individuals affected with CHAT-related conditions. Algorithms developed to predict the effect of sequence changes on RNA splicing suggest that this variant may disrupt the consensus splice site. In summary, the currently available evidence indicates that the variant is pathogenic, but additional data are needed to prove that conclusively. Therefore, this variant has been classified as Likely Pathogenic.

Literature cited by the submitters: PubMed 16199547; PubMed 12548525; PubMed 21786365; PubMed 23292760.

NM_020549.5(CHAT):c.698+2T>A

Gene: CHAT (choline O-acetyltransferase; plus strand). Cytogenetic location: 10q11.23.
Variant type: single nucleotide variant.
Coding change: c.698+2T>A on transcript NM_020549.5 (MANE Select); the canonical splice donor site of the intron after coding-DNA position 698, T replaced by A.
Molecular consequence: splice donor variant.
Genome position (GRCh38, 1-based): chr10:49,620,615, T>A. VCF-style: chr10-49620615-T-A. GRCh37 (hg19) VCF-style: chr10-50828661-T-A.
Other names: c.344+2T>A (NM_020984.4, NM_020985.4, NM_020986.4 and 2 more transcripts); c.452+2T>A (NM_001142933.2).
Identifiers: ClinVar variation 4779913 (VCV004779913.1).